The following is an entry in ClinVar:

NM_001130144.3(LTBP3):c.3028T>G (p.Cys1010Gly)

Genes: LTBP3 (latent transforming growth factor beta binding protein 3; minus strand), LOC121832793 (Sharpr-MPRA regulatory region 4001; plus strand). Cytogenetic location: 11q13.1.
Variant type: single nucleotide variant.
Coding change: c.3028T>G on transcript NM_001130144.3 (MANE Select); coding-DNA position 3028, T replaced by G.
Protein change: p.Cys1010Gly; replaces cysteine 1010 with glycine.
Molecular consequence: missense variant.
Genome position (GRCh38, 1-based): chr11:65,540,564, A>C on the plus strand (T>G on the coding strand, the complement: LTBP3 is on the minus strand). VCF-style: chr11-65540564-A-C. GRCh37 (hg19) VCF-style: chr11-65308035-A-C.
Other names: c.2677T>G, p.Cys893Gly (NM_001164266.1); c.3028T>G, p.Cys1010Gly (NM_021070.4); short protein forms C1010G, C893G.
Identifiers: ClinVar variation 3660103 (VCV003660103.2).

ClinVar aggregate classification (germline): Uncertain significance (1 of 4 stars; one submission).

Conditions:
Brachyolmia-amelogenesis imperfecta syndrome. Also called: PLATYSPONDYLY WITH AMELOGENESIS IMPERFECTA; Tooth agenesis, selective, 6; Dental anomalies and short stature. Identifiers: Orphanet 2899, MedGen C1832594, MONDO:0011018, OMIM 601216. Disease mechanism: loss of function.

Submission:

Labcorp Genetics (formerly Invitae), Labcorp
Classification: Uncertain significance for Brachyolmia-amelogenesis imperfecta syndrome. Last evaluated: 2025-10-01. Review status: criteria provided, single submitter. Criteria: Invitae Variant Classification Sherloc (09022015). Collection method: clinical testing. Allele origin: germline.
Comment: This sequence change replaces cysteine, which is neutral and slightly polar, with glycine, which is neutral and non-polar, at codon 1010 of the LTBP3 protein (p.Cys1010Gly). This variant is not present in population databases (gnomAD no frequency). This variant has not been reported in the literature in individuals affected with LTBP3-related conditions. ClinVar contains an entry for this variant (Variation ID: 3660103). An algorithm developed to predict the effect of missense changes on protein structure and function (PolyPhen-2) suggests that this variant is likely to be disruptive. In summary, the available evidence is currently insufficient to determine the role of this variant in disease. Therefore, it has been classified as a Variant of Uncertain Significance.